The following is an entry in ClinVar:

NM_001134831.2(AHI1):c.2120C>T (p.Pro707Leu)

Gene: AHI1 (Abelson helper integration site 1; minus strand). Cytogenetic location: 6q23.3.
Variant type: single nucleotide variant.
Coding change: c.2120C>T on transcript NM_001134831.2 (MANE Select); coding-DNA position 2120, C replaced by T.
Protein change: p.Pro707Leu; replaces proline 707 with leucine.
Molecular consequence: missense variant.
Genome position (GRCh38, 1-based): chr6:135,433,173, G>A on the plus strand (C>T on the coding strand, the complement: AHI1 is on the minus strand). VCF-style: chr6-135433173-G-A. GRCh37 (hg19) VCF-style: chr6-135754311-G-A.
Other names: c.2120C>T, p.Pro707Leu (NM_001134830.2, NM_001134832.2, NM_001350503.2 and 2 more transcripts); short protein forms P707L.
Identifiers: ClinVar variation 4746280 (VCV004746280.1).

ClinVar aggregate classification (germline): Uncertain significance (1 of 4 stars; one submission).

Conditions:
Joubert syndrome. Also called: CEREBELLOPARENCHYMAL DISORDER IV; JOUBERT-BOLTSHAUSER SYNDROME; Familial aplasia of the vermis. Identifiers: Orphanet 475, MedGen C5979921, MONDO:0018772.

Submission:

Labcorp Genetics (formerly Invitae), Labcorp
Classification: Uncertain significance for Joubert syndrome. Last evaluated: 2025-07-14. Review status: criteria provided, single submitter. Criteria: Invitae Variant Classification Sherloc (09022015). Collection method: clinical testing. Allele origin: germline.
Comment: This sequence change replaces proline, which is neutral and non-polar, with leucine, which is neutral and non-polar, at codon 707 of the AHI1 protein (p.Pro707Leu). This variant is not present in population databases (gnomAD no frequency). This variant has not been reported in the literature in individuals affected with AHI1-related conditions. Invitae Evidence Modeling of protein sequence and biophysical properties (such as structural, functional, and spatial information, amino acid conservation, physicochemical variation, residue mobility, and thermodynamic stability) has been performed for this missense variant. However, the output from this modeling did not meet the statistical confidence thresholds required to predict the impact of this variant on AHI1 protein function. In summary, the available evidence is currently insufficient to determine the role of this variant in disease. Therefore, it has been classified as a Variant of Uncertain Significance.